The following is an entry in ClinVar:

ClinVar aggregate classification (germline): Uncertain significance (1 of 4 stars; one submission).

Conditions:
Hereditary cancer-predisposing syndrome. Also called: Hereditary neoplastic syndrome; Neoplastic Syndromes, Hereditary; Tumor predisposition; Hereditary Cancer Syndrome. Identifiers: Orphanet 140162, MedGen C0027672, MeSH D009386, MONDO:0015356.

Submission:

Ambry Genetics
Classification: Uncertain significance for Hereditary cancer-predisposing syndrome. Last evaluated: 2025-08-27. Review status: criteria provided, single submitter. Criteria: Ambry Variant Classification Scheme 2023. Collection method: clinical testing. Allele origin: germline.
Comment: The p.E107V variant (also known as c.320A>T), located in coding exon 3 of the MUTYH gene, results from an A to T substitution at nucleotide position 320. The glutamic acid at codon 107 is replaced by valine, an amino acid with dissimilar properties. This amino acid position is conserved. In addition, the in silico prediction for this alteration is inconclusive. Based on the available evidence, the clinical significance of this variant remains unclear.

NM_001048174.2(MUTYH):c.236A>T (p.Glu79Val)

Gene: MUTYH (mutY DNA glycosylase; minus strand). Cytogenetic location: 1p34.1.
Variant type: single nucleotide variant.
Coding change: c.236A>T on transcript NM_001048174.2 (MANE Select); coding-DNA position 236, A replaced by T.
Protein change: p.Glu79Val; replaces glutamic acid 79 with valine.
Molecular consequence: missense variant. On other transcripts: 5 prime UTR variant (6), non-coding transcript variant (7).
Genome position (GRCh38, 1-based): chr1:45,333,441, T>A on the plus strand (A>T on the coding strand, the complement: MUTYH is on the minus strand). VCF-style: chr1-45333441-T-A. GRCh37 (hg19) VCF-style: chr1-45799113-T-A.
Other names: c.239A>T, p.Glu80Val (NM_001048172.2, NM_001407079.1, NM_001407086.1 and 2 more transcripts); c.236A>T, p.Glu79Val (NM_001048173.2, NM_001293195.2, NM_001407080.1 and 6 more transcripts); c.320A>T, p.Glu107Val (NM_001128425.2); c.281A>T, p.Glu94Val (NM_001293190.2); c.269A>T, p.Glu90Val (NM_001293191.2, NM_001407077.1); c.-41A>T (NM_001293192.2, NM_001293196.2, NM_001407091.1); c.-36A>T (NM_001350650.2, NM_001407082.1, NM_001350651.2); c.278A>T, p.Glu93Val (NM_001407083.1, NM_001407085.1, NM_001407073.1); and 3 more; short protein forms E80V, E94V, E51V, E93V, E104V, E107V, E79V, E86V.
Identifiers: ClinVar variation 4113599 (VCV004113599.1).